The following is an entry in ClinVar:

ClinVar aggregate classification (germline): Uncertain significance (1 of 4 stars; one submission).

Allele frequency attached by ClinVar (database versions not stated): gnomAD exomes below 0.00001.
gnomAD v4.1: 2 of 1,613,876 alleles (0.00012%); highest among the groups gnomAD compares: East Asian, 0.0022%; no homozygotes.

Submission:

Labcorp Genetics (formerly Invitae), Labcorp
Classification: Uncertain significance. Last evaluated: 2025-07-08. Review status: criteria provided, single submitter. Criteria: Invitae Variant Classification Sherloc (09022015). Collection method: clinical testing. Allele origin: germline.
Comment: This sequence change replaces threonine, which is neutral and polar, with isoleucine, which is neutral and non-polar, at codon 717 of the CACNA1D protein (p.Thr717Ile). This variant is present in population databases (no rsID available, gnomAD 0.006%). This variant has not been reported in the literature in individuals affected with CACNA1D-related conditions. ClinVar contains an entry for this variant (Variation ID: 2831516). Invitae Evidence Modeling of protein sequence and biophysical properties (such as structural, functional, and spatial information, amino acid conservation, physicochemical variation, residue mobility, and thermodynamic stability) indicates that this missense variant is expected to disrupt CACNA1D protein function with a positive predictive value of 80%. In summary, the available evidence is currently insufficient to determine the role of this variant in disease. Therefore, it has been classified as a Variant of Uncertain Significance.

NM_001128840.3(CACNA1D):c.2090C>T (p.Thr697Ile)

Gene: CACNA1D (calcium voltage-gated channel subunit alpha1 D; plus strand). Cytogenetic location: 3p21.1.
Variant type: single nucleotide variant.
Coding change: c.2090C>T on transcript NM_001128840.3 (MANE Select); coding-DNA position 2090, C replaced by T.
Protein change: p.Thr697Ile; replaces threonine 697 with isoleucine.
Molecular consequence: missense variant.
Genome position (GRCh38, 1-based): chr3:53,723,989, C>T. VCF-style: chr3-53723989-C-T. GRCh37 (hg19) VCF-style: chr3-53758016-C-T.
Other names: c.2150C>T, p.Thr717Ile (NM_000720.4); c.2090C>T, p.Thr697Ile (NM_001128839.3); short protein forms T697I, T717I.
Identifiers: ClinVar variation 2831516 (VCV002831516.3), dbSNP rs1326951164, ClinGen allele CA353238291.